The following is an entry in ClinVar:

ClinVar aggregate classification (germline): Uncertain significance (1 of 4 stars; one submission).

Conditions:
Tuberous sclerosis 2 (TSC2). Identifiers: Orphanet 805, MedGen C1860707, MONDO:0013199, OMIM 613254.

Submission:

Labcorp Genetics (formerly Invitae), Labcorp
Classification: Uncertain significance for Tuberous sclerosis 2. Last evaluated: 2024-04-25. Review status: criteria provided, single submitter. Criteria: Invitae Variant Classification Sherloc (09022015). Collection method: clinical testing. Allele origin: germline.
Comment: This sequence change replaces phenylalanine, which is neutral and non-polar, with leucine, which is neutral and non-polar, at codon 617 of the TSC2 protein (p.Phe617Leu). This variant is not present in population databases (gnomAD no frequency). This variant has not been reported in the literature in individuals affected with TSC2-related conditions. Advanced modeling of protein sequence and biophysical properties (such as structural, functional, and spatial information, amino acid conservation, physicochemical variation, residue mobility, and thermodynamic stability) performed at Invitae indicates that this missense variant is not expected to disrupt TSC2 protein function with a negative predictive value of 95%. In summary, the available evidence is currently insufficient to determine the role of this variant in disease. Therefore, it has been classified as a Variant of Uncertain Significance.

NM_000548.5(TSC2):c.1851C>A (p.Phe617Leu)

Gene: TSC2 (TSC complex subunit 2; plus strand). Cytogenetic location: 16p13.3.
Variant type: single nucleotide variant.
Coding change: c.1851C>A on transcript NM_000548.5 (MANE Select); coding-DNA position 1851, C replaced by A.
Protein change: p.Phe617Leu; replaces phenylalanine 617 with leucine.
Molecular consequence: missense variant. On other transcripts: non-coding transcript variant (5).
Genome position (GRCh38, 1-based): chr16:2,071,521, C>A. VCF-style: chr16-2071521-C-A. GRCh37 (hg19) VCF-style: chr16-2121522-C-A.
Other names: c.1740C>A, p.Phe580Leu (NM_001406670.1, NM_001406678.1, NM_001318827.2); c.1839C>A, p.Phe613Leu (NM_001406671.1, NM_001406673.1); c.1704C>A, p.Phe568Leu (NM_001406675.1, NM_001406676.1, NM_001406679.1 and 1 more transcripts); c.1794C>A, p.Phe598Leu (NM_001406677.1); c.1251C>A, p.Phe417Leu (NM_001406680.1, NM_001406682.1, NM_001406683.1 and 6 more transcripts); c.507C>A, p.Phe169Leu (NM_001406691.1, NM_001406692.1, NM_001406693.1 and 6 more transcripts); c.249C>A, p.Phe83Leu (NM_001406698.1); c.1851C>A, p.Phe617Leu (NM_021055.3, NM_001077183.3, NM_001114382.3 and 6 more transcripts); and 3 more; short protein forms F417L, F580L, F598L, F613L, F628L, F83L, F617L, F647L.
Identifiers: ClinVar variation 3637195 (VCV003637195.2).